The following is an entry in ClinVar:

GRCh38/hg38 Xp22.31(chrX:6537109-8167604)x0

Genes: MIR4767 (microRNA 4767; plus strand), MIR651 (microRNA 651; plus strand), PNPLA4 (patatin like domain 4, phospholipase and triacylglycerol lipase; minus strand), PUDP (pseudouridine 5'-phosphatase; minus strand), STS (steroid sulfatase; plus strand) and 22 more. Cytogenetic location: Xp22.31.
Variant type: copy number loss.
Change: copy number 0 of chrX:6,537,109-8,167,604 (1.63 Mb, GRCh38 coordinates, 1-based), cytogenetic band Xp22.31.
Identifiers: ClinVar variation 4796044 (VCV004796044.1).

ClinVar aggregate classification (germline): Pathogenic (1 of 4 stars; one submission).

Submission:

Medical Genetic Center, Changzhi Maternal and Child Health Care Hospital
Classification: Pathogenic. Last evaluated: 2025-12-10. Review status: criteria provided, single submitter. Criteria: ACMG/ClinGen CNV Guidelines, 2019. Collection method: clinical testing. Allele origin: unknown.
Comment: 2A:Xp22.31 recurrent region (includes STS)